The following is an entry in ClinVar:

NM_004304.5(ALK):c.347C>T (p.Ala116Val)

Gene: ALK (ALK receptor tyrosine kinase; minus strand). Cytogenetic location: 2p23.1.
Variant type: single nucleotide variant.
Coding change: c.347C>T on transcript NM_004304.5 (MANE Select); coding-DNA position 347, C replaced by T.
Protein change: p.Ala116Val; replaces alanine 116 with valine.
Molecular consequence: missense variant.
Genome position (GRCh38, 1-based): chr2:29,920,313, G>A on the plus strand (C>T on the coding strand, the complement: ALK is on the minus strand). VCF-style: chr2-29920313-G-A. GRCh37 (hg19) VCF-style: chr2-30143179-G-A.
Other names: short protein forms A116V.
Identifiers: ClinVar variation 1378603 (VCV001378603.8), dbSNP rs1572503383, ClinGen allele CA346590217.

ClinVar aggregate classification (germline): Uncertain significance (1 of 4 stars; one submission).

Conditions:
Neuroblastoma, susceptibility to, 3. Also called: ALK-Related Neuroblastic Tumor Susceptibility. Identifiers: Orphanet 635, MedGen C2751681, MONDO:0013083, OMIM 613014.

Allele frequency attached by ClinVar (database versions not stated): gnomAD exomes below 0.00001.
gnomAD v4.1: 3 of 1,558,322 alleles (0.00019%); highest among the groups gnomAD compares: East Asian, 0.0024%; no homozygotes.

Submission:

Labcorp Genetics (formerly Invitae), Labcorp
Classification: Uncertain significance for Neuroblastoma, susceptibility to, 3. Last evaluated: 2025-10-08. Review status: criteria provided, single submitter. Criteria: Invitae Variant Classification Sherloc (09022015). Collection method: clinical testing. Allele origin: germline.
Comment: This sequence change replaces alanine, which is neutral and non-polar, with valine, which is neutral and non-polar, at codon 116 of the ALK protein (p.Ala116Val). This variant is not present in population databases (gnomAD no frequency). This variant has not been reported in the literature in individuals affected with ALK-related conditions. ClinVar contains an entry for this variant (Variation ID: 1378603). An algorithm developed to predict the effect of missense changes on protein structure and function (PolyPhen-2) suggests that this variant is likely to be tolerated. In summary, the available evidence is currently insufficient to determine the role of this variant in disease. Therefore, it has been classified as a Variant of Uncertain Significance.